The following is an entry in ClinVar:

ClinVar aggregate classification (germline): Pathogenic (1 of 4 stars; one submission).

Submission:

Labcorp Genetics (formerly Invitae), Labcorp
Classification: Pathogenic. Last evaluated: 2021-09-25. Review status: criteria provided, single submitter. Criteria: Invitae Variant Classification Sherloc (09022015). Collection method: clinical testing. Allele origin: germline.
Comment: This sequence change creates a premature translational stop signal (p.Asn23Thrfs*2) in the RARS2 gene. It is expected to result in an absent or disrupted protein product. Loss-of-function variants in RARS2 are known to be pathogenic (PMID: 17847012, 22569581, 26083569). This variant is not present in population databases (ExAC no frequency). This variant has not been reported in the literature in individuals affected with RARS2-related conditions. For these reasons, this variant has been classified as Pathogenic.

Literature cited by the submitters: PubMed 17847012; PubMed 22569581; PubMed 26083569.

NM_020320.5(RARS2):c.68del (p.Asn23fs)

Gene: RARS2 (arginyl-tRNA synthetase 2, mitochondrial; minus strand). Cytogenetic location: 6q15.
Variant type: Deletion.
Coding change: c.68del on transcript NM_020320.5 (MANE Select); coding-DNA position 68, one base deleted (A; older notation c.68delA).
Protein change: p.Asn23fs; shifts the reading frame from asparagine 23.
Molecular consequence: frameshift variant. On other transcripts: 5 prime UTR variant (6), non-coding transcript variant (21), intron variant (1).
Genome position (GRCh38, 1-based): chr6:87,569,559, T deleted on the plus strand (A on the coding strand, the reverse complement: RARS2 is on the minus strand); the first of 4 consecutive T bases (chr6:87,569,559-87,569,562); deleting any one gives the same sequence. VCF-style (leftmost placement, unchanged base first): chr6-87569558-GT-G. GRCh37 (hg19) VCF-style: chr6-88279276-GT-G.
Other names: c.-402del (NM_001318785.2); c.68del, p.Asn23fs (NM_001350505.2); c.-458del (NM_001350506.2, NM_001350507.2, NM_001350510.2); c.-620del (NM_001350508.2); c.-577del (NM_001350511.2); c.-359-5327del (NM_001350509.2); short protein forms N23fs.
Identifiers: ClinVar variation 1453187 (VCV001453187.6), dbSNP rs2128188269, ClinGen allele CA2573141305.
Genomic context (GRCh38, chr6:87,569,558, plus strand): 5'-CAAGTGTATTATACTTAACTCTTTTTGGGAAATTGGAACTGCAGATATTGATGTGATCAA[GT>G]TTTCTGGTGGAAGATTCAACACTCTGGAAAGCTAAAAATCAAAAAGAACAAAACAGTGTA-3'